The following is an entry in ClinVar:

ClinVar aggregate classification (germline): Uncertain significance (1 of 4 stars; one submission).

Allele frequency attached by ClinVar (database versions not stated): ExAC 0.00002; gnomAD 0.00002; 1000 Genomes Project 30x 0.00016; 1000 Genomes Project 0.00020.

Submission:

Labcorp Genetics (formerly Invitae), Labcorp
Classification: Uncertain significance. Last evaluated: 2022-05-03. Review status: criteria provided, single submitter. Criteria: Invitae Variant Classification Sherloc (09022015). Collection method: clinical testing. Allele origin: germline.
Comment: This variant is present in population databases (rs201485848, gnomAD 0.01%). This sequence change replaces arginine, which is basic and polar, with cysteine, which is neutral and slightly polar, at codon 86 of the SGPL1 protein (p.Arg86Cys). This variant has not been reported in the literature in individuals affected with SGPL1-related conditions. Algorithms developed to predict the effect of missense changes on protein structure and function are either unavailable or do not agree on the potential impact of this missense change (SIFT: "Deleterious"; PolyPhen-2: "Benign"; Align-GVGD: "Class C15"). In summary, the available evidence is currently insufficient to determine the role of this variant in disease. Therefore, it has been classified as a Variant of Uncertain Significance.

NM_003901.4(SGPL1):c.256C>T (p.Arg86Cys)

Gene: SGPL1 (sphingosine-1-phosphate lyase 1; plus strand). Cytogenetic location: 10q22.1.
Variant type: single nucleotide variant.
Coding change: c.256C>T on transcript NM_003901.4 (MANE Select); coding-DNA position 256, C replaced by T.
Protein change: p.Arg86Cys; replaces arginine 86 with cysteine.
Molecular consequence: missense variant.
Genome position (GRCh38, 1-based): chr10:70,851,205, C>T. VCF-style: chr10-70851205-C-T. GRCh37 (hg19) VCF-style: chr10-72610962-C-T.
Other names: short protein forms R86C.
Identifiers: ClinVar variation 1931784 (VCV001931784.3), dbSNP rs201485848, ClinGen allele CA5541120.